The following is an entry in ClinVar:

ClinVar aggregate classification (germline): Conflicting classifications of pathogenicity. Review status: criteria provided, conflicting classifications (1 of 4 stars). 3 submissions from 3 submitters: Likely pathogenic (1); Uncertain significance (2). Last evaluated 2024-05-02.

Conditions:
CHARGE syndrome (CHARGE). Also called: Hittner Hirsch Kreh syndrome; CHARGE ASSOCIATION--COLOBOMA, HEART ANOMALY, CHOANAL ATRESIA, RETARDATION, GENITAL AND EAR ANOMALIES; Coloboma, heart anomaly, choanal atresia, retardation, genital and ear anomalies; CHARGE association; Hall-Hittner syndrome. Identifiers: Orphanet 138, MedGen C0265354, MONDO:0008965.
Hypogonadotropic hypogonadism 5 with or without anosmia (KAL5). Also called: HYPOGONADOTROPIC HYPOGONADISM 5 WITH ANOSMIA; HYPOGONADOTROPHIC HYPOGONADISM 5 WITHOUT ANOSMIA; CHD7-Related GnRH Deficiency (Kallmann Syndrome 5). Identifiers: Orphanet 478, MedGen C3552553, MONDO:0012880, OMIM 612370. Disease mechanism: loss of function.

Allele frequency attached by ClinVar (database versions not stated): gnomAD exomes below 0.00001; gnomAD 0.00001; TOPMed 0.00001.
gnomAD v4.1: 4 of 1,608,154 alleles (0.00025%); highest among the groups gnomAD compares: East Asian, 0.0022%; no homozygotes.

Submissions (3):

Fulgent Genetics
Classification: Uncertain significance for CHD7-related CHARGE syndrome; Hypogonadotropic hypogonadism 5 with or without anosmia. Last evaluated: 2024-05-02. Review status: criteria provided, single submitter. Criteria: ACMG Guidelines, 2015. Collection method: clinical testing. Allele origin: germline.

Labcorp Genetics (formerly Invitae), Labcorp
Classification: Likely pathogenic for CHARGE syndrome. Last evaluated: 2024-04-25. Review status: criteria provided, single submitter. Criteria: Invitae Variant Classification Sherloc (09022015). Collection method: clinical testing. Allele origin: germline.
Comment: This sequence change replaces arginine, which is basic and polar, with histidine, which is basic and polar, at codon 2319 of the CHD7 protein (p.Arg2319His). This variant is not present in population databases (gnomAD no frequency). This variant has not been reported in the literature in individuals affected with CHD7-related conditions. ClinVar contains an entry for this variant (Variation ID: 1186535). Advanced modeling of protein sequence and biophysical properties (such as structural, functional, and spatial information, amino acid conservation, physicochemical variation, residue mobility, and thermodynamic stability) performed at Invitae indicates that this missense variant is expected to disrupt CHD7 protein function with a positive predictive value of 95%. This variant disrupts the p.Arg2319 amino acid residue in CHD7. Other variant(s) that disrupt this residue have been determined to be pathogenic (PMID: 16155193, 16400610, 18484313, 28554332, 31289371, 31689711, 31729160). This suggests that this residue is clinically significant, and that variants that disrupt this residue are likely to be disease-causing. In summary, the currently available evidence indicates that the variant is pathogenic, but additional data are needed to prove that conclusively. Therefore, this variant has been classified as Likely Pathogenic.

GeneDx
Classification: Uncertain significance. Last evaluated: 2022-01-24. Review status: criteria provided, single submitter. Criteria: GeneDx Variant Classification Process June 2021. Collection method: clinical testing. Allele origin: germline. Affected: yes.
Comment: In silico analysis, which includes protein predictors and evolutionary conservation, supports a deleterious effect; Has not been previously published as pathogenic or benign to our knowledge

Literature cited by the submitters: PubMed 16155193 (cited by Labcorp Genetics (formerly Invitae), Labcorp); PubMed 16400610 (cited by Labcorp Genetics (formerly Invitae), Labcorp); PubMed 18484313 (cited by Labcorp Genetics (formerly Invitae), Labcorp); PubMed 28554332 (cited by Labcorp Genetics (formerly Invitae), Labcorp); PubMed 31289371 (cited by Labcorp Genetics (formerly Invitae), Labcorp); PubMed 31689711 (cited by Labcorp Genetics (formerly Invitae), Labcorp); PubMed 31729160 (cited by Labcorp Genetics (formerly Invitae), Labcorp).

NM_017780.4(CHD7):c.6956G>A (p.Arg2319His)

Gene: CHD7 (chromodomain helicase DNA binding protein 7; plus strand). Cytogenetic location: 8q12.2.
Variant type: single nucleotide variant.
Coding change: c.6956G>A on transcript NM_017780.4 (MANE Select); coding-DNA position 6956, G replaced by A.
Protein change: p.Arg2319His; replaces arginine 2319 with histidine.
Molecular consequence: missense variant. On other transcripts: intron variant (1).
Genome position (GRCh38, 1-based): chr8:60,855,994, G>A. VCF-style: chr8-60855994-G-A. GRCh37 (hg19) VCF-style: chr8-61768553-G-A.
Other names: c.1717-6235G>A (NM_001316690.1); short protein forms R2319H.
Identifiers: ClinVar variation 1186535 (VCV001186535.13), dbSNP rs765943226, ClinGen allele CA4760708.